The following is an entry in ClinVar:

NM_000135.4(FANCA):c.2368C>G (p.His790Asp)

Gene: FANCA (FA complementation group A; minus strand). Cytogenetic location: 16q24.3.
Variant type: single nucleotide variant.
Coding change: c.2368C>G on transcript NM_000135.4 (MANE Select); coding-DNA position 2368, C replaced by G.
Protein change: p.His790Asp; replaces histidine 790 with aspartic acid.
Molecular consequence: missense variant.
Genome position (GRCh38, 1-based): chr16:89,769,973, G>C on the plus strand (C>G on the coding strand, the complement: FANCA is on the minus strand). VCF-style: chr16-89769973-G-C. GRCh37 (hg19) VCF-style: chr16-89836381-G-C.
Other names: c.2368C>G, p.His790Asp (NM_001286167.3); short protein forms H790D.
Identifiers: ClinVar variation 937808 (VCV000937808.12), dbSNP rs2039266002, ClinGen allele CA397444233.

ClinVar aggregate classification (germline): Uncertain significance. Review status: criteria provided, single submitter (1 of 4 stars). 2 submissions from 2 submitters: Uncertain significance (1). 1 of the submissions does not count toward it. Last evaluated 2019-06-21.

Conditions:
Fanconi anemia (FA). Also called: Fanconi's anemia. Identifiers: Orphanet 84, MedGen C0015625, MeSH D005199, MONDO:0019391.

Submissions (2):

Labcorp Genetics (formerly Invitae), Labcorp
Classification: Uncertain significance for Fanconi anemia. Last evaluated: 2019-06-21. Review status: criteria provided, single submitter. Criteria: Invitae Variant Classification Sherloc (09022015). Collection method: clinical testing. Allele origin: germline.
Comment: In summary, the available evidence is currently insufficient to determine the role of this variant in disease. Therefore, it has been classified as a Variant of Uncertain Significance. Algorithms developed to predict the effect of missense changes on protein structure and function are either unavailable or do not agree on the potential impact of this missense change (SIFT: "Deleterious"; PolyPhen-2: "Benign"; Align-GVGD: "Class C0"). This variant has not been reported in the literature in individuals with FANCA-related conditions. This variant is not present in population databases (ExAC no frequency). This sequence change replaces histidine with aspartic acid at codon 790 of the FANCA protein (p.His790Asp). The histidine residue is highly conserved and there is a moderate physicochemical difference between histidine and aspartic acid.

Natera, Inc.
Classification: Uncertain significance for Fanconi anemia. Last evaluated: 2021-03-24. Review status: no assertion criteria provided. Collection method: clinical testing. Allele origin: germline. Not counted in ClinVar's aggregate classification.